The following is an entry in ClinVar:

NM_005633.4(SOS1):c.2633T>C (p.Met878Thr)

Gene: SOS1 (SOS Ras/Rac guanine nucleotide exchange factor 1; minus strand). Cytogenetic location: 2p22.1.
Variant type: single nucleotide variant.
Coding change: c.2633T>C on transcript NM_005633.4 (MANE Select); coding-DNA position 2633, T replaced by C.
Protein change: p.Met878Thr; replaces methionine 878 with threonine.
Molecular consequence: missense variant.
Genome position (GRCh38, 1-based): chr2:39,007,071, A>G on the plus strand (T>C on the coding strand, the complement: SOS1 is on the minus strand). VCF-style: chr2-39007071-A-G. GRCh37 (hg19) VCF-style: chr2-39234212-A-G.
Other names: c.2612T>C, p.Met871Thr (NM_001382394.1); c.2633T>C, p.Met878Thr (NM_001382395.1); short protein forms M871T, M878T.
Identifiers: ClinVar variation 3011255 (VCV003011255.4), dbSNP rs1669302783, ClinGen allele CA346363398.

ClinVar aggregate classification (germline): Uncertain significance. Review status: criteria provided, multiple submitters, no conflicts (2 of 4 stars). 2 submissions from 2 submitters: Uncertain significance (2). Last evaluated 2025-08-24.

Conditions:
RASopathy. Also called: Noonan spectrum disorder; rasopathies. Identifiers: Orphanet 536391, MedGen C5555857, MONDO:0021060.

Allele frequency attached by ClinVar (database versions not stated): TOPMed below 0.00001.

Submissions (2):

Labcorp Genetics (formerly Invitae), Labcorp
Classification: Uncertain significance for RASopathy. Last evaluated: 2025-08-24. Review status: criteria provided, single submitter. Criteria: Invitae Variant Classification Sherloc (09022015). Collection method: clinical testing. Allele origin: germline.
Comment: This sequence change replaces methionine, which is neutral and non-polar, with threonine, which is neutral and polar, at codon 878 of the SOS1 protein (p.Met878Thr). This variant is not present in population databases (gnomAD no frequency). This variant has not been reported in the literature in individuals affected with SOS1-related conditions. ClinVar contains an entry for this variant (Variation ID: 3011255). Invitae Evidence Modeling of protein sequence and biophysical properties (such as structural, functional, and spatial information, amino acid conservation, physicochemical variation, residue mobility, and thermodynamic stability) has been performed for this missense variant. However, the output from this modeling did not meet the statistical confidence thresholds required to predict the impact of this variant on SOS1 protein function. In summary, the available evidence is currently insufficient to determine the role of this variant in disease. Therefore, it has been classified as a Variant of Uncertain Significance.

GeneDx
Classification: Uncertain significance. Last evaluated: 2023-07-07. Review status: criteria provided, single submitter. Criteria: GeneDx Variant Classification Process June 2021. Collection method: clinical testing. Allele origin: germline. Affected: yes.
Comment: Not observed at significant frequency in large population cohorts (gnomAD); Missense variants in this gene are often considered pathogenic (HGMD); In silico analysis supports that this missense variant has a deleterious effect on protein structure/function; Has not been previously published as pathogenic or benign to our knowledge; This variant is associated with the following publications: (PMID: 29493581)